The following is an entry in ClinVar:

NM_020843.4(SCAPER):c.3187T>A (p.Cys1063Ser)

Genes: SCAPER (S-phase cyclin A associated protein in the ER; minus strand), LOC126862183 (BRD4-independent group 4 enhancer GRCh37_chr15:76726060-76727259; plus strand). Cytogenetic location: 15q24.3.
Variant type: single nucleotide variant.
Coding change: c.3187T>A on transcript NM_020843.4 (MANE Select); coding-DNA position 3187, T replaced by A.
Protein change: p.Cys1063Ser; replaces cysteine 1063 with serine.
Molecular consequence: missense variant. On other transcripts: non-coding transcript variant (1).
Genome position (GRCh38, 1-based): chr15:76,434,202, A>T on the plus strand (T>A on the coding strand, the complement: SCAPER is on the minus strand). VCF-style: chr15-76434202-A-T. GRCh37 (hg19) VCF-style: chr15-76726543-A-T.
Other names: c.2449T>A, p.Cys817Ser (NM_001145923.2); c.3205T>A, p.Cys1069Ser (NM_001353009.2); c.2785T>A, p.Cys929Ser (NM_001353010.2, NM_001353012.2); c.2803T>A, p.Cys935Ser (NM_001353011.2); short protein forms C1069S, C817S, C929S, C1063S, C935S.
Identifiers: ClinVar variation 4996061 (VCV004996061.1).

ClinVar aggregate classification (germline): Uncertain significance (1 of 4 stars; one submission).

Conditions:
SCAPER-related disorder. Also called: SCAPER-related condition.

gnomAD v4.1: 1 of 1,614,004 alleles (0.000062%); highest among the groups gnomAD compares: Non-Finnish European, 0.000085%; no homozygotes.

Submission:

PreventionGenetics, part of Exact Sciences
Classification: Uncertain significance for SCAPER-related condition. Last evaluated: 2026-06-06. Review status: criteria provided, single submitter. Criteria: ACMG Guidelines, 2015. Collection method: clinical testing. Allele origin: germline.
Comment: The SCAPER c.3205T>A variant is predicted to result in the amino acid substitution p.Cys1069Ser. To our knowledge, this variant has not been reported in the literature or in a large population database (gnomAD), indicating this variant is rare. At this time, the clinical significance of this variant is uncertain due to the absence of conclusive functional and genetic evidence.